The following is an entry in ClinVar:

ClinVar aggregate classification (germline): Likely benign (1 of 4 stars; one submission).

Allele frequency attached by ClinVar (database versions not stated): 1000 Genomes Project 30x 0.00031; 1000 Genomes Project 0.00040; TOPMed 0.00043; ESP Exome Variant Server 0.00046; gnomAD 0.00057; ExAC 0.00072.
gnomAD v4.1: 1,385 of 1,614,192 alleles (0.086%); highest among the groups gnomAD compares: Middle Eastern, 0.15%; 1 homozygote.

Submission:

CeGaT Center for Human Genetics Tuebingen
Classification: Likely benign. Last evaluated: 2022-03-01. Review status: criteria provided, single submitter. Criteria: CeGaT Center For Human Genetics Tuebingen Variant Classification Criteria Version 2. Collection method: clinical testing. Allele origin: germline. Affected: yes. Observed: 1 variant allele.
Comment: UNC93A: BP4, BP7

NM_018974.4(UNC93A):c.951G>A (p.Thr317=)

Gene: UNC93A (unc-93 homolog A; plus strand). Cytogenetic location: 6q27.
Variant type: single nucleotide variant.
Coding change: c.951G>A on transcript NM_018974.4 (MANE Select); coding-DNA position 951, G replaced by A.
Protein change: p.Thr317=; no amino-acid change (threonine 317 retained).
Molecular consequence: synonymous variant.
Genome position (GRCh38, 1-based): chr6:167,306,025, G>A. VCF-style: chr6-167306025-G-A. GRCh37 (hg19) VCF-style: chr6-167719513-G-A.
Other names: c.825G>A, p.Thr275= (NM_001143947.2).
Identifiers: ClinVar variation 2657129 (VCV002657129.24), dbSNP rs144446179, ClinGen allele CA4096979.